The following is an entry in ClinVar:

NM_033100.4(CDHR1):c.623T>A (p.Ile208Asn)

Gene: CDHR1 (cadherin related family member 1; plus strand). Cytogenetic location: 10q23.1.
Variant type: single nucleotide variant.
Coding change: c.623T>A on transcript NM_033100.4 (MANE Select); coding-DNA position 623, T replaced by A.
Protein change: p.Ile208Asn; replaces isoleucine 208 with asparagine.
Molecular consequence: missense variant.
Genome position (GRCh38, 1-based): chr10:84,201,904, T>A. VCF-style: chr10-84201904-T-A. GRCh37 (hg19) VCF-style: chr10-85961660-T-A.
Other names: c.623T>A, p.Ile208Asn (NM_001171971.3); c.623T>A (NM_033100.2); short protein forms I208N.
Identifiers: ClinVar variation 1520710 (VCV001520710.7), dbSNP rs763409556, ClinGen allele CA5579606.
Genomic context (GRCh38, chr10:84,201,904, plus strand): 5'-GTGTGCTGCGCCTCCAGGCTGGGGCCACTCTGGACTACGAGAGGTCCCGGACCCACTACA[T>A]CACCGTGGTCGCCAAGGTAACACAGCAGGACAGGGGAGCATCCAGTGTCTCCTCAGCCCT-3'
Protein context (NP_149091.1, residues 198-218): LDYERSRTHY[Ile208Asn]TVVAKDGGGR

ClinVar aggregate classification (germline): Uncertain significance. Review status: criteria provided, multiple submitters, no conflicts (2 of 4 stars). 2 submissions from 2 submitters: Uncertain significance (2). Last evaluated 2025-04-17.

Conditions:
Inborn genetic diseases. Identifiers: MedGen C0950123, MeSH D030342.

Allele frequency attached by ClinVar (database versions not stated): ExAC 0.00001; gnomAD exomes 0.00001.
gnomAD v4.1: 3 of 1,605,482 alleles (0.00019%); highest among the groups gnomAD compares: Admixed American, 0.005%; no homozygotes.

Submissions (2):

Labcorp Genetics (formerly Invitae), Labcorp
Classification: Uncertain significance. Last evaluated: 2025-04-17. Review status: criteria provided, single submitter. Criteria: Invitae Variant Classification Sherloc (09022015). Collection method: clinical testing. Allele origin: germline.
Comment: This sequence change replaces isoleucine, which is neutral and non-polar, with asparagine, which is neutral and polar, at codon 208 of the CDHR1 protein (p.Ile208Asn). This variant is present in population databases (rs763409556, gnomAD 0.009%). This variant has not been reported in the literature in individuals affected with CDHR1-related conditions. ClinVar contains an entry for this variant (Variation ID: 1520710). Invitae Evidence Modeling of protein sequence and biophysical properties (such as structural, functional, and spatial information, amino acid conservation, physicochemical variation, residue mobility, and thermodynamic stability) has been performed for this missense variant. However, the output from this modeling did not meet the statistical confidence thresholds required to predict the impact of this variant on CDHR1 protein function. In summary, the available evidence is currently insufficient to determine the role of this variant in disease. Therefore, it has been classified as a Variant of Uncertain Significance.

Ambry Genetics
Classification: Uncertain significance for Inborn genetic diseases. Last evaluated: 2022-08-08. Review status: criteria provided, single submitter. Criteria: Ambry Variant Classification Scheme 2023. Collection method: clinical testing. Allele origin: germline.